The following is an entry in ClinVar:

NM_001035.3(RYR2):c.10195G>T (p.Val3399Leu)

Gene: RYR2 (ryanodine receptor 2; plus strand). Cytogenetic location: 1q43.
Variant type: single nucleotide variant.
Coding change: c.10195G>T on transcript NM_001035.3 (MANE Select); coding-DNA position 10195, G replaced by T.
Protein change: p.Val3399Leu; replaces valine 3399 with leucine.
Molecular consequence: missense variant.
Genome position (GRCh38, 1-based): chr1:237,709,532, G>T. VCF-style: chr1-237709532-G-T. GRCh37 (hg19) VCF-style: chr1-237872832-G-T.
Other names: short protein forms V3399L.
Identifiers: ClinVar variation 4757214 (VCV004757214.1).
Genomic context (GRCh38, chr1:237,709,532, plus strand): 5'-TGATCCAGGGCAAAGTGGCTAAAGGAGCCTAACCCAGAAGCAGAGGAGCTCTTCCGCATG[G>T]TGGCTGAAGTGTTTATCTACTGGTCGAAGTCCCATGTGAGTGTGAAAATATTGATAGATC-3'
Protein context (NP_001026.2, residues 3389-3409): NPEAEELFRM[Val3399Leu]AEVFIYWSKS

ClinVar aggregate classification (germline): Uncertain significance (1 of 4 stars; one submission).

Conditions:
Cardiomyopathy (CMYO). Also called: Cardiomyopathies. Identifiers: Orphanet 167848, MedGen C0878544, MONDO:0004994, HP:0001638. Inheritance: Various modes of inheritance.

Submission:

Color Diagnostics, LLC DBA Color Health
Classification: Uncertain significance for Cardiomyopathy. Last evaluated: 2025-06-09. Review status: criteria provided, single submitter. Criteria: ACMG Guidelines, 2015. Collection method: clinical testing. Allele origin: germline.
Comment: This missense variant replaces valine with leucine at codon 3399 of the RYR2 protein. Computational prediction suggests that this variant may have deleterious impact on protein structure and function. To our knowledge, functional studies have not been reported for this variant. This variant has not been reported in individuals affected with RYR2-related disorders in the literature. This variant has not been identified in the general population by the Genome Aggregation Database (gnomAD). The available evidence is insufficient to determine the role of this variant in disease conclusively. Therefore, this variant is classified as a Variant of Uncertain Significance.